The following is an entry in ClinVar:

ClinVar aggregate classification (germline): Likely pathogenic (1 of 4 stars; one submission).

Conditions:
Inborn genetic diseases. Identifiers: MedGen C0950123, MeSH D030342.

Submissions (4):

Ambry Genetics
Classification: Likely pathogenic for Inborn genetic diseases. Last evaluated: 2025-06-13. Review status: criteria provided, single submitter. Criteria: Ambry Variant Classification Scheme 2023. Collection method: clinical testing. Allele origin: germline.
Comment: The c.1218+2T>C intronic variant results from a T to C substitution two nucleotides after coding exon 15 (C) of the GK gene. Alterations that disrupt the canonical splice site are expected to cause aberrant splicing, resulting in an abnormal protein or a transcript that is subject to nonsense-mediated mRNA decay. This variant was not reported in population-based cohorts in the Genome Aggregation Database (gnomAD). This nucleotide position is highly conserved in available vertebrate species. In silico splice site analysis predicts that this alteration will weaken the native splice donor site. Based on the available evidence, this alteration is classified as likely pathogenic.

Dr. Peter K. Rogan Lab, Western University
No classification provided (evidence only). Condition: Uterine corpus endometrial carcinoma. Review status: no classification provided. Collection method: in vitro. Allele origin: not applicable. Functional consequence: retained intron. Not counted in ClinVar's aggregate classification.

Dr. Peter K. Rogan Lab, Western University
No classification provided (evidence only). Condition: Nonpapillary renal cell carcinoma. Review status: no classification provided. Collection method: in vitro. Allele origin: not applicable. Functional consequence: retained intron. Not counted in ClinVar's aggregate classification.

Dr. Peter K. Rogan Lab, Western University
No classification provided (evidence only). Condition: Nonpapillary renal cell carcinoma. Review status: no classification provided. Collection method: in vitro. Allele origin: not applicable. Functional consequence: retained intron. Not counted in ClinVar's aggregate classification.

NM_001205019.2(GK):c.1236+2T>C

Gene: GK (glycerol kinase; plus strand). Cytogenetic location: Xp21.2.
Variant type: single nucleotide variant.
Coding change: c.1236+2T>C on transcript NM_001205019.2 (MANE Select); the canonical splice donor site of the intron after coding-DNA position 1236, T replaced by C.
Molecular consequence: splice donor variant.
Genome position (GRCh38, 1-based): chrX:30,720,097, T>C. VCF-style: chrX-30720097-T-C. GRCh37 (hg19) VCF-style: chrX-30738214-T-C.
Other names: NC_000023.10:g.30738214T>C; c.1302+2T>C (NM_001399987.1); c.1236+2T>C (NM_203391.4); c.1218+2T>C (NM_001128127.3, NM_000167.6).
Identifiers: ClinVar variation 4029976 (VCV004029976.2).